The following is an entry in ClinVar:

NM_000108.5(DLD):c.1139del (p.Gly380fs)

Gene: DLD (dihydrolipoamide dehydrogenase; plus strand). Cytogenetic location: 7q31.1.
Variant type: Deletion.
Coding change: c.1139del on transcript NM_000108.5 (MANE Select); coding-DNA position 1139, one base deleted (G; older notation c.1139delG).
Protein change: p.Gly380fs; shifts the reading frame from glycine 380.
Molecular consequence: frameshift variant.
Genome position (GRCh38, 1-based): chr7:107,917,365, G deleted; the last of 2 consecutive G bases (chr7:107,917,364-107,917,365); deleting either gives the same sequence. VCF-style (leftmost placement, unchanged base first): chr7-107917363-TG-T. GRCh37 (hg19) VCF-style: chr7-107557808-TG-T.
Other names: c.842del, p.Gly281fs (NM_001289750.1); c.1070del, p.Gly357fs (NM_001289751.1); c.995del, p.Gly332fs (NM_001289752.1); short protein forms G281fs, G332fs, G380fs, G357fs.
Identifiers: ClinVar variation 2113162 (VCV002113162.4), dbSNP rs2535602432, ClinGen allele CA2580076208.

ClinVar aggregate classification (germline): Pathogenic (1 of 4 stars; one submission).

Conditions:
Pyruvate dehydrogenase E3 deficiency (DLDD). Also called: Dihydrolipoamide Dehydrogenase (E3) Deficiency; Dihydrolipoamide Dehydrogenase Deficiency; Dihydrolipoamide Dehydrogenase E3 Deficiency; Lipoamide dehydrogenase deficiency, lactic acidosis due to; Lipoamide dehydrogenase deficiency; DLD DEFICIENCY. Identifiers: Orphanet 2394, Orphanet 765, MedGen C5574660, MONDO:0009529, OMIM 246900.

Submission:

Labcorp Genetics (formerly Invitae), Labcorp
Classification: Pathogenic for Pyruvate dehydrogenase E3 deficiency. Last evaluated: 2022-03-16. Review status: criteria provided, single submitter. Criteria: Invitae Variant Classification Sherloc (09022015). Collection method: clinical testing. Allele origin: germline.
Comment: For these reasons, this variant has been classified as Pathogenic. This variant has not been reported in the literature in individuals affected with DLD-related conditions. This variant is not present in population databases (gnomAD no frequency). This sequence change creates a premature translational stop signal (p.Gly380Valfs*13) in the DLD gene. It is expected to result in an absent or disrupted protein product. Loss-of-function variants in DLD are known to be pathogenic (PMID: 8968745, 9934985).

Literature cited by the submitters: PubMed 8968745; PubMed 9934985.